The following is an entry in ClinVar:

ClinVar aggregate classification (germline): Uncertain significance (1 of 4 stars; one submission).

Submission:

CeGaT Center for Human Genetics Tuebingen
Classification: Uncertain significance. Last evaluated: 2025-02-01. Review status: criteria provided, single submitter. Criteria: CeGaT Center For Human Genetics Tuebingen Variant Classification Criteria Version 2. Collection method: clinical testing. Allele origin: germline. Affected: yes. Observed: 1 variant allele.
Comment: WNK3: PM2, BP4

NM_020922.5(WNK3):c.3127A>C (p.Thr1043Pro)

Gene: WNK3 (WNK lysine deficient protein kinase 3; minus strand). Cytogenetic location: Xp11.22.
Variant type: single nucleotide variant.
Coding change: c.3127A>C on transcript NM_020922.5 (MANE Select); coding-DNA position 3127, A replaced by C.
Protein change: p.Thr1043Pro; replaces threonine 1043 with proline.
Molecular consequence: missense variant.
Genome position (GRCh38, 1-based): chrX:54,249,221, T>G on the plus strand (A>C on the coding strand, the complement: WNK3 is on the minus strand). VCF-style: chrX-54249221-T-G. GRCh37 (hg19) VCF-style: chrX-54275654-T-G.
Other names: c.3127A>C, p.Thr1043Pro (NM_001002838.4, NM_001395166.1); short protein forms T1043P.
Identifiers: ClinVar variation 3772498 (VCV003772498.13).